The following is an entry in ClinVar:

NM_001915.4(CYB561):c.207G>A (p.Leu69=)

Gene: CYB561 (cytochrome b561; minus strand). Cytogenetic location: 17q23.3.
Variant type: single nucleotide variant.
Coding change: c.207G>A on transcript NM_001915.4 (MANE Select); coding-DNA position 207, G replaced by A.
Protein change: p.Leu69=; no amino-acid change (leucine 69 retained).
Molecular consequence: synonymous variant.
Genome position (GRCh38, 1-based): chr17:63,436,148, C>T on the plus strand (G>A on the coding strand, the complement: CYB561 is on the minus strand). VCF-style: chr17-63436148-C-T. GRCh37 (hg19) VCF-style: chr17-61513509-C-T.
Other names: c.207G>A, p.Leu69= (NM_001017916.2, NM_001017917.2); c.228G>A, p.Leu76= (NM_001330421.2).
Identifiers: ClinVar variation 3034465 (VCV003034465.2), dbSNP rs35447397, ClinGen allele CA8698817.

ClinVar aggregate classification (germline): Benign (0 of 4 stars; one submission).

Conditions:
CYB561-related disorder. Also called: CYB561-related condition.

Allele frequency attached by ClinVar (database versions not stated): ExAC 0.00222; 1000 Genomes Project 0.00819; 1000 Genomes Project 30x 0.00874; ESP Exome Variant Server 0.00877.
gnomAD v4.1: 2,077 of 1,613,808 alleles (0.13%); highest among the groups gnomAD compares: African/African-American, 2.5%; 28 homozygotes.

Submission:

PreventionGenetics, part of Exact Sciences
Classification: Benign for CYB561-related condition. Last evaluated: 2019-06-18. Review status: no assertion criteria provided. Collection method: clinical testing. Allele origin: germline.
Comment: This variant is classified as benign based on ACMG/AMP sequence variant interpretation guidelines (Richards et al. 2015 PMID: 25741868, with internal and published modifications).